The following is an entry in ClinVar:

ClinVar aggregate classification (germline): Uncertain significance. Review status: criteria provided, single submitter (1 of 4 stars). 2 submissions from 2 submitters: Uncertain significance (1). 1 of the submissions does not count toward it. Last evaluated 2021-10-20.

Conditions:
AMACR-related disorder. Also called: AMACR-Related Disorders; AMACR-related condition.
Alpha-methylacyl-CoA racemase deficiency (AMACRD). Also called: AMACR deficiency. Identifiers: Orphanet 79095, MedGen C3280428, MONDO:0013681, OMIM 614307. Disease mechanism: loss of function.

Allele frequency attached by ClinVar (database versions not stated): gnomAD exomes 0.00003; ExAC 0.00004; gnomAD 0.00005; TOPMed 0.00007; ESP Exome Variant Server 0.00008.
gnomAD v4.1: 51 of 1,614,072 alleles (0.0032%); highest among the groups gnomAD compares: East Asian, 0.016%; no homozygotes.

Submissions (2):

Labcorp Genetics (formerly Invitae), Labcorp
Classification: Uncertain significance for Alpha-methylacyl-CoA racemase deficiency. Last evaluated: 2021-10-20. Review status: criteria provided, single submitter. Criteria: Invitae Variant Classification Sherloc (09022015). Collection method: clinical testing. Allele origin: germline.
Comment: This sequence change replaces arginine with histidine at codon 361 of the AMACR protein (p.Arg361His). The arginine residue is weakly conserved and there is a small physicochemical difference between arginine and histidine. This variant is present in population databases (rs374668256, ExAC 0.02%). This variant has not been reported in the literature in individuals affected with AMACR-related conditions. Algorithms developed to predict the effect of missense changes on protein structure and function (SIFT, PolyPhen-2, Align-GVGD) all suggest that this variant is likely to be tolerated. In summary, the available evidence is currently insufficient to determine the role of this variant in disease. Therefore, it has been classified as a Variant of Uncertain Significance.

PreventionGenetics, part of Exact Sciences
Classification: Uncertain significance for AMACR-related condition. Last evaluated: 2024-01-22. Review status: no assertion criteria provided. Collection method: clinical testing. Allele origin: germline. Not counted in ClinVar's aggregate classification.
Comment: The AMACR c.1082G>A variant is predicted to result in the amino acid substitution p.Arg361His. To our knowledge, this variant has not been reported in the literature. This variant is reported in 0.012% of alleles in individuals of African descent in gnomAD. At this time, the clinical significance of this variant is uncertain due to the absence of conclusive functional and genetic evidence.

NM_014324.6(AMACR):c.1082G>A (p.Arg361His)

Genes: AMACR (alpha-methylacyl-CoA racemase; minus strand), C1QTNF3-AMACR (C1QTNF3-AMACR readthrough (NMD candidate); minus strand). Cytogenetic location: 5p13.2.
Variant type: single nucleotide variant.
Coding change: c.1082G>A on transcript NM_014324.6 (MANE Select); coding-DNA position 1082, G replaced by A.
Protein change: p.Arg361His; replaces arginine 361 with histidine.
Molecular consequence: missense variant. On other transcripts: non-coding transcript variant (1), 3 prime UTR variant (1).
Genome position (GRCh38, 1-based): chr5:33,989,160, C>T on the plus strand (G>A on the coding strand, the complement: AMACR is on the minus strand). VCF-style: chr5-33989160-C-T. GRCh37 (hg19) VCF-style: chr5-33989265-C-T.
Other names: c.1082G>A, p.Arg361His (NM_001167595.2); c.*324G>A (NM_203382.3); c.1082G>A (NM_014324.5); short protein forms R361H.
Identifiers: ClinVar variation 1448041 (VCV001448041.6), dbSNP rs374668256, ClinGen allele CA3225956.